The following is an entry in ClinVar:

ClinVar aggregate classification (germline): Uncertain significance (1 of 4 stars; one submission).

Conditions:
USP7-related neurodevelopmental disorder.

Submission:

Illumina Laboratory Services, Illumina
Classification: Uncertain significance for USP7-related neurodevelopmental disorder. Last evaluated: 2019-11-21. Review status: criteria provided, single submitter. Criteria: ICSLVariantClassificationCriteria RUGD 01 April 2020. Collection method: clinical testing. Allele origin: unknown.
Comment: The USP7 c.158A>G (p.Asn53Ser) variant is a missense variant. A literature search was performed for the gene, cDNA change, and amino acid change. No publications were found based on this search. This variant is not found in the Genome Aggregation Database in a region of good sequence coverage, so the variant is presumed to be rare. Based on the limited evidence and application of ACMG criteria, the p.Asn53Ser variant is classified as a variant of unknown significance for USP7-related neurodevelopmental disorder.

NM_003470.3(USP7):c.158A>G (p.Asn53Ser)

Gene: USP7 (ubiquitin specific peptidase 7; minus strand). Cytogenetic location: 16p13.2.
Variant type: single nucleotide variant.
Coding change: c.158A>G on transcript NM_003470.3 (MANE Select); coding-DNA position 158, A replaced by G.
Protein change: p.Asn53Ser; replaces asparagine 53 with serine.
Molecular consequence: missense variant. On other transcripts: 5 prime UTR variant (2), non-coding transcript variant (1).
Genome position (GRCh38, 1-based): chr16:8,930,319, T>C on the plus strand (A>G on the coding strand, the complement: USP7 is on the minus strand). VCF-style: chr16-8930319-T-C. GRCh37 (hg19) VCF-style: chr16-9024176-T-C.
Other names: c.110A>G, p.Asn37Ser (NM_001286457.2); c.-315A>G (NM_001286458.2); c.-17A>G (NM_001321858.2); short protein forms N53S, N37S.
Identifiers: ClinVar variation 973319 (VCV000973319.4), dbSNP rs1898245285, ClinGen allele CA394707600.